The following is an entry in ClinVar:

NM_004239.4(TRIP11):c.2217T>C (p.Tyr739=)

Gene: TRIP11 (thyroid hormone receptor interactor 11; minus strand). Cytogenetic location: 14q32.12.
Variant type: single nucleotide variant.
Coding change: c.2217T>C on transcript NM_004239.4 (MANE Select); coding-DNA position 2217, T replaced by C.
Protein change: p.Tyr739=; no amino-acid change (tyrosine 739 retained).
Molecular consequence: synonymous variant.
Genome position (GRCh38, 1-based): chr14:92,005,759, A>G on the plus strand (T>C on the coding strand, the complement: TRIP11 is on the minus strand). VCF-style: chr14-92005759-A-G. GRCh37 (hg19) VCF-style: chr14-92472103-A-G.
Other names: c.2214T>C, p.Tyr738= (NM_001321851.1).
Identifiers: ClinVar variation 314963 (VCV000314963.22), dbSNP rs35009380, ClinGen allele CA7313813.

ClinVar aggregate classification (germline): Benign/Likely benign. Review status: criteria provided, multiple submitters, no conflicts (2 of 4 stars). 7 submissions from 7 submitters: Benign (5); Likely benign (2). Last evaluated 2026-05-12.

Conditions:
Achondrogenesis, type IA (ACG1A). Identifiers: Orphanet 932, Orphanet 93299, MedGen C0265273, MONDO:0008701, OMIM 200600.
Connective tissue disorder. Also called: Connective tissue disease. Identifiers: MedGen C0009782, MONDO:0003900.

Allele frequency attached by ClinVar (database versions not stated): TOPMed 0.00752; 1000 Genomes Project 0.00919; ExAC 0.00207; gnomAD exomes 0.00060 and 0.00169; gnomAD 0.00646 and 0.00682; ESP Exome Variant Server 0.00669; 1000 Genomes Project 30x 0.00953.

Submissions (7):

Women's Health and Genetics/Laboratory Corporation of America, LabCorp
Classification: Likely benign. Last evaluated: 2026-05-12. Review status: criteria provided, single submitter. Criteria: LabCorp Variant Classification Summary - May 2015. Collection method: clinical testing. Allele origin: germline.

Labcorp Genetics (formerly Invitae), Labcorp
Classification: Benign for Achondrogenesis, type IA. Last evaluated: 2026-01-04. Review status: criteria provided, single submitter. Criteria: Invitae Variant Classification Sherloc (09022015). Collection method: clinical testing. Allele origin: germline.

ARUP Laboratories, Molecular Genetics and Genomics, ARUP Laboratories
Classification: Benign. Last evaluated: 2024-12-27. Review status: criteria provided, single submitter. Criteria: ARUP Molecular Germline Variant Investigation Process 2024. Collection method: clinical testing. Allele origin: germline.

Genome Diagnostics Laboratory, The Hospital for Sick Children
Classification: Likely benign for Connective tissue disorder. Last evaluated: 2019-07-01. Review status: criteria provided, single submitter. Criteria: ACMG Guidelines, 2015. Collection method: clinical testing. Allele origin: germline.

GeneDx
Classification: Benign. Last evaluated: 2018-02-05. Review status: criteria provided, single submitter. Criteria: GeneDx Variant Classification (06012015). Collection method: clinical testing. Allele origin: germline. Affected: yes.
Comment: This variant is considered likely benign or benign based on one or more of the following criteria: it is a conservative change, it occurs at a poorly conserved position in the protein, it is predicted to be benign by multiple in silico algorithms, and/or has population frequency not consistent with disease.

Illumina Laboratory Services, Illumina
Classification: Benign for Achondrogenesis, type IA. Last evaluated: 2018-01-12. Review status: criteria provided, single submitter. Criteria: ICSL Variant Classification Criteria 13 December 2019. Collection method: clinical testing. Allele origin: germline.
Comment: This variant was observed in the ICSL laboratory as part of a predisposition screen in an ostensibly healthy population. It had not been previously curated by ICSL or reported in the Human Gene Mutation Database (HGMD: prior to June 1st, 2018), and was therefore a candidate for classification through an automated scoring system. Utilizing variant allele frequency, disease prevalence and penetrance estimates, and inheritance mode, an automated score was calculated to assess if this variant is too frequent to cause the disease. Based on the score and internal cut-off values, a variant classified as benign is not then subjected to further curation. The score for this variant resulted in a classification of benign for this disease.

Breakthrough Genomics
Classification: Benign. Review status: criteria provided, single submitter. Criteria: ACMG Guidelines, 2015. Collection method: not provided. Allele origin: germline. Inheritance: Autosomal recessive inheritance. Affected: yes.